The following is an entry in ClinVar:

ClinVar aggregate classification (germline): Uncertain significance. Review status: criteria provided, multiple submitters, no conflicts (2 of 4 stars). 2 submissions from 2 submitters: Uncertain significance (2). Last evaluated 2025-04-22.

Conditions:
Hereditary cancer-predisposing syndrome. Also called: Neoplastic Syndromes, Hereditary; Hereditary Cancer Syndrome; Hereditary neoplastic syndrome; Tumor predisposition. Identifiers: Orphanet 140162, MedGen C0027672, MeSH D009386, MONDO:0015356.
Gorlin syndrome. Also called: Nevoid Basal Cell Carcinoma Syndrome; Basal cell nevus syndrome. Identifiers: Orphanet 377, MedGen C0004779, MONDO:0007187.

Submissions (2):

Ambry Genetics
Classification: Uncertain significance for Hereditary cancer-predisposing syndrome. Last evaluated: 2025-04-22. Review status: criteria provided, single submitter. Criteria: Ambry Variant Classification Scheme 2023. Collection method: clinical testing. Allele origin: germline.
Comment: The p.P1196S variant (also known as c.3586C>T), located in coding exon 22 of the PTCH1 gene, results from a C to T substitution at nucleotide position 3586. The proline at codon 1196 is replaced by serine, an amino acid with similar properties. This amino acid position is well conserved in available vertebrate species. In addition, the in silico prediction for this alteration is inconclusive. Since supporting evidence is limited at this time, the clinical significance of this alteration remains unclear.

Labcorp Genetics (formerly Invitae), Labcorp
Classification: Uncertain significance for Gorlin syndrome. Last evaluated: 2020-03-23. Review status: criteria provided, single submitter. Criteria: Invitae Variant Classification Sherloc (09022015). Collection method: clinical testing. Allele origin: germline.
Comment: Algorithms developed to predict the effect of missense changes on protein structure and function are either unavailable or do not agree on the potential impact of this missense change (SIFT: "Deleterious"; PolyPhen-2: "Benign"; Align-GVGD: "Class C0"). This sequence change replaces proline with serine at codon 1196 of the PTCH1 protein (p.Pro1196Ser). The proline residue is highly conserved and there is a moderate physicochemical difference between proline and serine. This variant is not present in population databases (ExAC no frequency). This variant has not been reported in the literature in individuals with PTCH1-related conditions. In summary, the available evidence is currently insufficient to determine the role of this variant in disease. Therefore, it has been classified as a Variant of Uncertain Significance.

NM_000264.5(PTCH1):c.3586C>T (p.Pro1196Ser)

Gene: PTCH1 (patched 1; minus strand). Cytogenetic location: 9q22.32.
Variant type: single nucleotide variant.
Coding change: c.3586C>T on transcript NM_000264.5 (MANE Select); coding-DNA position 3586, C replaced by T.
Protein change: p.Pro1196Ser; replaces proline 1196 with serine.
Molecular consequence: missense variant. On other transcripts: non-coding transcript variant (1).
Genome position (GRCh38, 1-based): chr9:95,449,287, G>A on the plus strand (C>T on the coding strand, the complement: PTCH1 is on the minus strand). VCF-style: chr9-95449287-G-A. GRCh37 (hg19) VCF-style: chr9-98211569-G-A.
Other names: c.3388C>T, p.Pro1130Ser (NM_001083602.3); c.3583C>T, p.Pro1195Ser (NM_001083603.3); c.3133C>T, p.Pro1045Ser (NM_001083604.3, NM_001083605.3, NM_001083606.3 and 1 more transcripts); c.3430C>T, p.Pro1144Ser (NM_001354918.2); short protein forms P1045S, P1195S, P1144S, P1196S, P1130S.
Identifiers: ClinVar variation 823959 (VCV000823959.14), dbSNP rs1588517811, ClinGen allele CA374111348.